The following is an entry in ClinVar:

ClinVar aggregate classification (germline): Uncertain significance (1 of 4 stars; one submission).

gnomAD v4.1: 4 of 1,504,916 alleles (0.00027%); highest among the groups gnomAD compares: African/African-American, 0.0055%; no homozygotes.

Submission:

Labcorp Genetics (formerly Invitae), Labcorp
Classification: Uncertain significance. Last evaluated: 2025-10-13. Review status: criteria provided, single submitter. Criteria: Invitae Variant Classification Sherloc (09022015). Collection method: clinical testing. Allele origin: germline.
Comment: This sequence change falls in intron 3 of the POLE2 gene. It does not directly change the encoded amino acid sequence of the POLE2 protein. The frequency data for this variant in the population databases is considered unreliable, as metrics indicate poor data quality at this position in the gnomAD database. This variant has not been reported in the literature in individuals affected with POLE2-related conditions. Algorithms developed to predict the effect of sequence changes on RNA splicing suggest that this variant may create or strengthen a splice site. In summary, the available evidence is currently insufficient to determine the role of this variant in disease. Therefore, it has been classified as a Variant of Uncertain Significance.

NM_002692.4(POLE2):c.245+8G>C

Gene: POLE2 (DNA polymerase epsilon 2, accessory subunit; minus strand). Cytogenetic location: 14q21.3.
Variant type: single nucleotide variant.
Coding change: c.245+8G>C on transcript NM_002692.4 (MANE Select); 8 bases into the intron after coding-DNA position 245, G replaced by C.
Molecular consequence: intron variant.
Genome position (GRCh38, 1-based): chr14:49,679,717, C>G on the plus strand (G>C on the coding strand, the complement: POLE2 is on the minus strand). VCF-style: chr14-49679717-C-G. GRCh37 (hg19) VCF-style: chr14-50146435-C-G.
Other names: c.245+8G>C (NM_001197330.2, NM_001348384.2, NM_001197331.3); c.14+4G>C (NM_001348385.2).
Identifiers: ClinVar variation 4704339 (VCV004704339.1).
Genomic context (GRCh38, chr14:49,679,717, plus strand): 5'-GACAATAATTAAAAATAAGTGCTCAATAACACCTCCAAGGAGGAAAAAAGTTAACTGTAC[C>G]CACATACATAGTTTCATCAACAGACTGACTGCATTCCTGGACTGCTGCTTCCACCACAGA-3'